The following is an entry in ClinVar:

NM_022455.5(NSD1):c.4913A>G (p.His1638Arg)

Gene: NSD1 (nuclear receptor binding SET domain protein 1; plus strand). Cytogenetic location: 5q35.3.
Variant type: single nucleotide variant.
Coding change: c.4913A>G on transcript NM_022455.5 (MANE Select); coding-DNA position 4913, A replaced by G.
Protein change: p.His1638Arg; replaces histidine 1638 with arginine.
Molecular consequence: missense variant.
Genome position (GRCh38, 1-based): chr5:177,257,098, A>G. VCF-style: chr5-177257098-A-G. GRCh37 (hg19) VCF-style: chr5-176684099-A-G.
Other names: c.4040A>G, p.His1347Arg (NM_001365684.2, NM_001409308.1, NM_001409309.1 and 1 more transcripts); c.4913A>G, p.His1638Arg (NM_001409301.1, NM_001409302.1, NM_001409303.1); c.4493A>G, p.His1498Arg (NM_001409304.1); c.4160A>G, p.His1387Arg (NM_001409305.1); c.4151A>G, p.His1384Arg (NM_001409306.1, NM_001409307.1); short protein forms H1347R, H1384R, H1387R, H1498R, H1638R.
Identifiers: ClinVar variation 2501551 (VCV002501551.3), dbSNP rs2480664753, ClinGen allele CA362356045.

ClinVar aggregate classification (germline): Conflicting classifications of pathogenicity. Review status: criteria provided, conflicting classifications (1 of 4 stars). 2 submissions from 2 submitters: Likely pathogenic (1); Uncertain significance (1). Last evaluated 2024-11-07.

Conditions:
Sotos syndrome (SOTOS). Also called: SOTOS SYNDROME 1; Sotos' syndrome; Distinctive facial appearance, overgrowth in childhood, and learning disabilities or delayed development; CEREBRAL GIGANTISM; CHROMOSOME 5q35 DELETION SYNDROME. Identifiers: Orphanet 821, MedGen C0175695, MONDO:0019349, OMIM 117550.

Submissions (2):

GeneDx
Classification: Uncertain significance. Last evaluated: 2024-11-07. Review status: criteria provided, single submitter. Criteria: GeneDx Variant Classification Process June 2021. Collection method: clinical testing. Allele origin: germline. Affected: yes.
Comment: In silico analysis supports that this missense variant has a deleterious effect on protein structure/function; Not observed at significant frequency in large population cohorts (gnomAD); This variant is associated with the following publications: (PMID: 28475857)

Division of Human Genetics, National Health Laboratory Service/University of the Witwatersrand
Classification: Likely pathogenic for Sotos syndrome. Last evaluated: 2023-07-01. Review status: criteria provided, single submitter. Criteria: ACMG Guidelines, 2015. Collection method: research. Allele origin: germline. Affected: yes.